The following is an entry in ClinVar:

NM_022436.3(ABCG5):c.550C>T (p.Leu184=)

Genes: ABCG5 (ATP binding cassette subfamily G member 5; minus strand), DYNC2LI1 (dynein cytoplasmic 2 light intermediate chain 1; plus strand). Cytogenetic location: 2p21.
Variant type: single nucleotide variant.
Coding change: c.550C>T on transcript NM_022436.3 (MANE Select); coding-DNA position 550, C replaced by T.
Protein change: p.Leu184=; no amino-acid change (leucine 184 retained).
Molecular consequence: synonymous variant. On other transcripts: 3 prime UTR variant (2).
Genome position (GRCh38, 1-based): chr2:43,828,067, G>A on the plus strand (C>T on the coding strand, the complement: ABCG5 is on the minus strand). VCF-style: chr2-43828067-G-A. GRCh37 (hg19) VCF-style: chr2-44055206-G-A.
Other names: c.*697G>A (NM_001348912.2, NM_001348913.2).
Identifiers: ClinVar variation 597458 (VCV000597458.15), dbSNP rs762951266, ClinGen allele CA1636613.

ClinVar aggregate classification (germline): Conflicting classifications of pathogenicity. Review status: criteria provided, conflicting classifications (1 of 4 stars). 4 submissions from 4 submitters: Uncertain significance (1); Likely benign (2). 1 of the submissions does not count toward it. Last evaluated 2025-11-11.

Conditions:
Cardiovascular phenotype. Identifiers: MedGen CN230736.
ABCG5-related disorder. Also called: ABCG5-related condition.
Sitosterolemia (STSL). Also called: PHYTOSTEROLEMIA. Identifiers: Orphanet 2882, MedGen C0342907, MONDO:0008863.

Allele frequency attached by ClinVar (database versions not stated): TOPMed 0.00004.
gnomAD v4.1: 26 of 1,614,108 alleles (0.0016%); highest among the groups gnomAD compares: Admixed American, 0.042%; no homozygotes.

Submissions (4):

Labcorp Genetics (formerly Invitae), Labcorp
Classification: Likely benign for Sitosterolemia. Last evaluated: 2025-11-11. Review status: criteria provided, single submitter. Criteria: Invitae Variant Classification Sherloc (09022015). Collection method: clinical testing. Allele origin: germline.

Ambry Genetics
Classification: Likely benign for Cardiovascular phenotype. Last evaluated: 2022-12-07. Review status: criteria provided, single submitter. Criteria: Ambry Variant Classification Scheme 2023. Collection method: clinical testing. Allele origin: germline.

Eurofins Ntd Llc (ga)
Classification: Uncertain significance. Last evaluated: 2018-06-05. Review status: criteria provided, single submitter. Criteria: EGL ClinVar v180209 classification definitions. Collection method: clinical testing. Allele origin: germline. Observed: 1 variant allele, 1 heterozygote.

PreventionGenetics, part of Exact Sciences
Classification: Likely benign for ABCG5-related condition. Last evaluated: 2021-03-24. Review status: no assertion criteria provided. Collection method: clinical testing. Allele origin: germline. Not counted in ClinVar's aggregate classification.
Comment: This variant is classified as likely benign based on ACMG/AMP sequence variant interpretation guidelines (Richards et al. 2015 PMID: 25741868, with internal and published modifications).